The following is an entry in ClinVar:

ClinVar aggregate classification (germline): Uncertain significance (1 of 4 stars; one submission).

Submission:

Labcorp Genetics (formerly Invitae), Labcorp
Classification: Uncertain significance. Last evaluated: 2025-10-27. Review status: criteria provided, single submitter. Criteria: Invitae Variant Classification Sherloc (09022015). Collection method: clinical testing. Allele origin: germline.
Comment: This sequence change replaces alanine, which is neutral and non-polar, with threonine, which is neutral and polar, at codon 992 of the MPDZ protein (p.Ala992Thr). This variant is not present in population databases (gnomAD no frequency). This variant has not been reported in the literature in individuals affected with MPDZ-related conditions. An algorithm developed to predict the effect of missense changes on protein structure and function outputs the following: PolyPhen-2: "Benign". The threonine amino acid residue is found in multiple mammalian species, which suggests that this missense change does not adversely affect protein function. In summary, the available evidence is currently insufficient to determine the role of this variant in disease. Therefore, it has been classified as a Variant of Uncertain Significance.

NM_001378778.1(MPDZ):c.2974G>A (p.Ala992Thr)

Gene: MPDZ (multiple PDZ domain crumbs cell polarity complex component; minus strand). Cytogenetic location: 9p23.
Variant type: single nucleotide variant.
Coding change: c.2974G>A on transcript NM_001378778.1 (MANE Select); coding-DNA position 2974, G replaced by A.
Protein change: p.Ala992Thr; replaces alanine 992 with threonine.
Molecular consequence: missense variant.
Genome position (GRCh38, 1-based): chr9:13,175,833, C>T on the plus strand (G>A on the coding strand, the complement: MPDZ is on the minus strand). VCF-style: chr9-13175833-C-T. GRCh37 (hg19) VCF-style: chr9-13175832-C-T.
Other names: c.2974G>A, p.Ala992Thr (NM_001261406.2, NM_001261407.2, NM_001330637.2 and 14 more transcripts); short protein forms A992T.
Identifiers: ClinVar variation 4779091 (VCV004779091.1).
Genomic context (GRCh38, chr9:13,175,833, plus strand): 5'-CTATATTAATAGTCCTTTCAAAAGATTCTTTAGATACATTTTGAAGCATGACACACTCAG[C>T]ATTACAGGCCAGGGAGCTCTGTTCAAGCAGGTACTCAGAGCCCTTTAAGAAAGAAAAAGA-3'
Protein context (NP_001365707.1, residues 982-1002): LLEQSSLACN[Ala992Thr]ECVMLQNVSK